The following is an entry in ClinVar:

ClinVar aggregate classification (germline): Uncertain significance (1 of 4 stars; one submission).

Conditions:
Early-infantile DEE. Also called: Early infantile epileptic encephalopathy with suppression bursts; Early infantile epileptic encephalopathy; Ohtahara syndrome. Identifiers: Orphanet 1934, MedGen C0393706, MONDO:0800491.

Submission:

Labcorp Genetics (formerly Invitae), Labcorp
Classification: Uncertain significance for Early-infantile DEE. Last evaluated: 2022-08-31. Review status: criteria provided, single submitter. Criteria: Invitae Variant Classification Sherloc (09022015). Collection method: clinical testing. Allele origin: germline.
Comment: In summary, the available evidence is currently insufficient to determine the role of this variant in disease. Therefore, it has been classified as a Variant of Uncertain Significance. Algorithms developed to predict the effect of missense changes on protein structure and function are either unavailable or do not agree on the potential impact of this missense change (SIFT: "Deleterious"; PolyPhen-2: "Possibly Damaging"; Align-GVGD: "Class C0"). This variant has not been reported in the literature in individuals affected with SCN8A-related conditions. This variant is not present in population databases (gnomAD no frequency). This sequence change replaces isoleucine, which is neutral and non-polar, with valine, which is neutral and non-polar, at codon 1751 of the SCN8A protein (p.Ile1751Val).

NM_001330260.2(SCN8A):c.5251A>G (p.Ile1751Val)

Gene: SCN8A (sodium voltage-gated channel alpha subunit 8; plus strand). Cytogenetic location: 12q13.13.
Variant type: single nucleotide variant.
Coding change: c.5251A>G on transcript NM_001330260.2 (MANE Select); coding-DNA position 5251, A replaced by G.
Protein change: p.Ile1751Val; replaces isoleucine 1751 with valine.
Molecular consequence: missense variant.
Genome position (GRCh38, 1-based): chr12:51,806,737, A>G. VCF-style: chr12-51806737-A-G. GRCh37 (hg19) VCF-style: chr12-52200521-A-G.
Other names: c.5128A>G, p.Ile1710Val (NM_001177984.3, NM_001369788.1); c.5251A>G, p.Ile1751Val (NM_014191.4); short protein forms I1710V, I1751V.
Identifiers: ClinVar variation 1718528 (VCV001718528.5), dbSNP rs2540334548, ClinGen allele CA384884943.